The following is an entry in ClinVar:

ClinVar aggregate classification (germline): Likely benign. Review status: criteria provided, multiple submitters, no conflicts (2 of 4 stars). 4 submissions from 4 submitters: Likely benign (4). Last evaluated 2024-11-21.

Conditions:
Hereditary cancer-predisposing syndrome. Also called: Neoplastic Syndromes, Hereditary; Tumor predisposition; Hereditary Cancer Syndrome; Hereditary neoplastic syndrome. Identifiers: Orphanet 140162, MedGen C0027672, MeSH D009386, MONDO:0015356.

Submissions (4):

Labcorp Genetics (formerly Invitae), Labcorp
Classification: Likely benign. Last evaluated: 2024-11-21. Review status: criteria provided, single submitter. Criteria: Invitae Variant Classification Sherloc (09022015). Collection method: clinical testing. Allele origin: germline.

Sema4
Classification: Likely benign for Hereditary cancer-predisposing syndrome. Last evaluated: 2021-03-12. Review status: criteria provided, single submitter. Criteria: Sema4 Curation Guidelines. Collection method: curation. Allele origin: germline.

GeneDx
Classification: Likely benign. Last evaluated: 2018-04-02. Review status: criteria provided, single submitter. Criteria: GeneDx Variant Classification (06012015). Collection method: clinical testing. Allele origin: germline. Affected: yes.
Comment: This variant is considered likely benign or benign based on one or more of the following criteria: it is a conservative change, it occurs at a poorly conserved position in the protein, it is predicted to be benign by multiple in silico algorithms, and/or has population frequency not consistent with disease.

Ambry Genetics
Classification: Likely benign for Hereditary cancer-predisposing syndrome. Last evaluated: 2016-03-09. Review status: criteria provided, single submitter. Criteria: Ambry Variant Classification Scheme 2023. Collection method: clinical testing. Allele origin: germline.

NM_006231.4(POLE):c.4992C>T (p.Ile1664=)

Gene: POLE (DNA polymerase epsilon, catalytic subunit; minus strand). Cytogenetic location: 12q24.33.
Variant type: single nucleotide variant.
Coding change: c.4992C>T on transcript NM_006231.4 (MANE Select); coding-DNA position 4992, C replaced by T.
Protein change: p.Ile1664=; no amino-acid change (isoleucine 1664 retained).
Molecular consequence: synonymous variant.
Genome position (GRCh38, 1-based): chr12:132,642,358, G>A on the plus strand (C>T on the coding strand, the complement: POLE is on the minus strand). VCF-style: chr12-132642358-G-A. GRCh37 (hg19) VCF-style: chr12-133218944-G-A.
Identifiers: ClinVar variation 484506 (VCV000484506.16), dbSNP rs1555222515, ClinGen allele CA482848796.
Genomic context (GRCh38, chr12:132,642,358, plus strand): 5'-GAGCAGGTGGTTGTGGCGCTGGAGGTGGCGGGCAAAGAAGAGGTCGGAGCCGAATGTGGA[G>A]ATGTCCTCTGGTAGGTTCCCAATGGGAATGTGAAAGTACCTGCACCAGGGCACAGGTCAG-3'
Protein context (NP_006222.2, residues 1654-1674): HIPIGNLPED[Ile1664=]STFGSDLFFA